The following is an entry in ClinVar:

NM_003924.4(PHOX2B):c.264C>G (p.Asp88Glu)

Gene: PHOX2B (paired like homeobox 2B; minus strand). Cytogenetic location: 4p13.
Variant type: single nucleotide variant.
Coding change: c.264C>G on transcript NM_003924.4 (MANE Select); coding-DNA position 264, C replaced by G.
Protein change: p.Asp88Glu; replaces aspartic acid 88 with glutamic acid.
Molecular consequence: missense variant.
Genome position (GRCh38, 1-based): chr4:41,747,514, G>C on the plus strand (C>G on the coding strand, the complement: PHOX2B is on the minus strand). VCF-style: chr4-41747514-G-C. GRCh37 (hg19) VCF-style: chr4-41749531-G-C.
Other names: short protein forms D88E.
Identifiers: ClinVar variation 576428 (VCV000576428.10), dbSNP rs1560466325, ClinGen allele CA356740532.

ClinVar aggregate classification (germline): Uncertain significance (1 of 4 stars; one submission).

Conditions:
Haddad syndrome (OHD). Also called: Ondine-Hirschsprung disease. Identifiers: Orphanet 99803, MedGen C1859049, MONDO:0020493.

Submission:

Labcorp Genetics (formerly Invitae), Labcorp
Classification: Uncertain significance for Haddad syndrome. Last evaluated: 2018-04-07. Review status: criteria provided, single submitter. Criteria: Invitae Variant Classification Sherloc (09022015). Collection method: clinical testing. Allele origin: germline.
Comment: This sequence change replaces aspartic acid with glutamic acid at codon 88 of the PHOX2B protein (p.Asp88Glu). The aspartic acid residue is highly conserved and there is a small physicochemical difference between aspartic acid and glutamic acid. This variant is not present in population databases (ExAC no frequency). This variant has not been reported in the literature in individuals with PHOX2B-related disease. Algorithms developed to predict the effect of missense changes on protein structure and function do not agree on the potential impact of this missense change (SIFT: "Deleterious"; PolyPhen-2: "Benign"; Align-GVGD: "Class C35"). In summary, the available evidence is currently insufficient to determine the role of this variant in disease. Therefore, it has been classified as a Variant of Uncertain Significance.